The following is an entry in ClinVar:

NM_005273.4(GNB2):c.239T>A (p.Ile80Asn)

Gene: GNB2 (G protein subunit beta 2; plus strand). Cytogenetic location: 7q22.1.
Variant type: single nucleotide variant.
Coding change: c.239T>A on transcript NM_005273.4 (MANE Select); coding-DNA position 239, T replaced by A.
Protein change: p.Ile80Asn; replaces isoleucine 80 with asparagine.
Molecular consequence: missense variant.
Genome position (GRCh38, 1-based): chr7:100,677,387, T>A. VCF-style: chr7-100677387-T-A. GRCh37 (hg19) VCF-style: chr7-100275010-T-A.
Other names: short protein forms I80N.
Identifiers: ClinVar variation 4854000 (VCV004854000.1).

ClinVar aggregate classification (germline): Uncertain significance (1 of 4 stars; one submission).

Conditions:
Neurodevelopmental disorder with hypotonia and dysmorphic facies. Identifiers: MedGen C5561974, MONDO:0859185, OMIM 619503.

Submission:

3billion
Classification: Uncertain significance for Neurodevelopmental disorder with hypotonia and dysmorphic facies. Last evaluated: 2025-07-21. Review status: criteria provided, single submitter. Criteria: ACMG Guidelines, 2015. Collection method: clinical testing. Allele origin: germline. Affected: yes.
Comment: The variant is not observed in the gnomAD v4.1.0 dataset. Predicted Consequence/Location: Missense variant. Missense changes are a common disease-causing mechanism. In silico tool predictions suggest damaging effect of the variant on gene or gene product [3Cnet: 0.97 (> 0.75, sensitivity 0.96 and precision 0.92)]. Therefore, this variant is classified as VUS according to the recommendation of ACMG/AMP guideline.